The following is an entry in ClinVar:

ClinVar aggregate classification (germline): Pathogenic/Likely pathogenic. Review status: criteria provided, multiple submitters, no conflicts (2 of 4 stars). 5 submissions from 5 submitters: Pathogenic (2); Likely pathogenic (2). 1 of the submissions does not count toward it. Last evaluated 2024-03-26.

Conditions:
Medium-chain acyl-coenzyme A dehydrogenase deficiency (ACADMD). Also called: ACADM DEFICIENCY; CARNITINE DEFICIENCY SECONDARY TO MEDIUM-CHAIN ACYL-CoA DEHYDROGENASE DEFICIENCY; MCADD; Medium chain acyl-CoA dehydrogenase deficiency; MCAD Deficiency; MCADH DEFICIENCY. Identifiers: Orphanet 42, MedGen C0220710, MONDO:0008721, OMIM 201450.

Submissions (5):

Fulgent Genetics
Classification: Likely pathogenic for Medium-chain acyl-coenzyme A dehydrogenase deficiency. Last evaluated: 2024-03-26. Review status: criteria provided, single submitter. Criteria: ACMG Guidelines, 2015. Collection method: clinical testing. Allele origin: germline.

Pittsburgh Clinical Genomics Laboratory, University of Pittsburgh Medical Center
Classification: Pathogenic for Medium-chain acyl-coenzyme A dehydrogenase deficiency. Last evaluated: 2023-03-17. Review status: criteria provided, single submitter. Criteria: ACMG Guidelines, 2015. Collection method: clinical testing. Allele origin: germline. Inheritance: Autosomal recessive inheritance. Affected: yes.
Comment: This sequence variant is a single nucleotide substitution (T>A) at coding position 201 of the ACADM gene which changes the Tyr67 codon into an early termition sigl. As it occurs in exon 3 of 12, this variant is predicted to generate a non-functiol allele through the expression of a truncated protein or a loss of ACADM expression due to nonsense-mediated decay. This is a previously reported variant (ClinVar) which has not been observed in the published literature in individuals with ACADM-related disease, to our knowledge. This variant is absent from the gnomAD population database (0/~251000 alleles). Based on the available evidence, we consider this variant to be pathogenic. ACMG Criteria: PM2, PM3, PVS1

Mendelics
Classification: Pathogenic for Medium-chain acyl-coenzyme A dehydrogenase deficiency. Last evaluated: 2019-05-28. Review status: criteria provided, single submitter. Criteria: Mendelics Assertion Criteria 2017. Collection method: clinical testing. Allele origin: unknown.

ARUP Laboratories, Molecular Genetics and Genomics, ARUP Laboratories
Classification: Likely pathogenic for Medium-chain acyl-coenzyme A dehydrogenase deficiency. Last evaluated: 2018-09-24. Review status: criteria provided, single submitter. Criteria: ARUP Molecular Germline Variant Investigation Process. Collection method: clinical testing. Allele origin: germline.
Comment: The ACADM c.201T>A; p.Tyr67Ter variant, to our knowledge, is not reported in the medical literature or gene specific databases. This variant is also absent from general population databases (1000 Genomes Project, Exome Variant Server, and Genome Aggregation Database), indicating it is not a common polymorphism. This variant induces an early termination codon and is predicted to result in a truncated protein or mRNA subject to nonsense-mediated decay. Additionally, other downstream nonsense variants have been reported in individuals with medium chain acyl-CoA dehydrogenase deficiency and are considered pathogenic (Andresen 1997, Maier 2005, McKinney 2004). Based on available information, the p.Tyr67Ter variant is considered to be likely pathogenic. References: Andresen BS et al. The molecular basis of medium-chain acyl-CoA dehydrogenase (MCAD) deficiency in compound heterozygous patients: is there correlation between genotype and phenotype? Hum Mol Genet. 1997 May;6(5):695-707. Maier EM et al. Population spectrum of ACADM genotypes correlated to biochemical phenotypes in newborn screening for medium-chain acyl-CoA dehydrogenase deficiency. Hum Mutat. 2005 May;25(5):443-52. McKinney JT et al. Rapid, comprehensive screening of the human medium chain acyl-CoA dehydrogenase gene. Mol Genet Metab. 2004 Jun;82(2):112-20.

Natera, Inc.
Classification: Likely pathogenic for Medium Chain Acyl-CoA Dehydrogenase Deficiency. Last evaluated: 2021-01-27. Review status: no assertion criteria provided. Collection method: clinical testing. Allele origin: germline. Not counted in ClinVar's aggregate classification.

NM_000016.6(ACADM):c.201T>A (p.Tyr67Ter)

Gene: ACADM (acyl-CoA dehydrogenase medium chain; plus strand). Cytogenetic location: 1p31.1.
Variant type: single nucleotide variant.
Coding change: c.201T>A on transcript NM_000016.6 (MANE Select); coding-DNA position 201, T replaced by A.
Protein change: p.Tyr67Ter; replaces tyrosine 67 with a stop codon.
Molecular consequence: nonsense. On other transcripts: 5 prime UTR variant (1).
Genome position (GRCh38, 1-based): chr1:75,732,726, T>A. VCF-style: chr1-75732726-T-A. GRCh37 (hg19) VCF-style: chr1-76198411-T-A.
Other names: c.213T>A, p.Tyr71Ter (NM_001127328.3); c.93T>A, p.Tyr31Ter (NM_001286042.2); c.201T>A, p.Tyr67Ter (NM_001286043.2); c.-185T>A (NM_001286044.2); c.201T>A (NM_000016.5); short protein forms Y31*, Y67*, Y71*.
Identifiers: ClinVar variation 801498 (VCV000801498.14), dbSNP rs754833969, ClinGen allele CA340809567.